The following is an entry in ClinVar:

ClinVar aggregate classification (germline): Uncertain significance (1 of 4 stars; one submission).

Conditions:
Myopathy, tubular aggregate, 2 (TAM2). Identifiers: MedGen C4014557, MONDO:0014383, OMIM 615883.
Combined immunodeficiency due to ORAI1 deficiency. Also called: IMMUNODEFICIENCY 9. Identifiers: Orphanet 169090, Orphanet 317428, MedGen C2748568, MONDO:0013007, OMIM 612782.

Allele frequency attached by ClinVar (database versions not stated): ExAC 0.00002; gnomAD exomes 0.00002 and 0.00003.

Submission:

Labcorp Genetics (formerly Invitae), Labcorp
Classification: Uncertain significance for Myopathy, tubular aggregate, 2; Combined immunodeficiency due to ORAI1 deficiency. Last evaluated: 2023-11-19. Review status: criteria provided, single submitter. Criteria: Invitae Variant Classification Sherloc (09022015). Collection method: clinical testing. Allele origin: germline.
Comment: This sequence change replaces leucine, which is neutral and non-polar, with phenylalanine, which is neutral and non-polar, at codon 186 of the ORAI1 protein (p.Leu186Phe). This variant is present in population databases (rs782383265, gnomAD 0.02%). This variant has not been reported in the literature in individuals affected with ORAI1-related conditions. ClinVar contains an entry for this variant (Variation ID: 1445165). Experimental studies and prediction algorithms are not available or were not evaluated, and the functional significance of this variant is currently unknown. In summary, the available evidence is currently insufficient to determine the role of this variant in disease. Therefore, it has been classified as a Variant of Uncertain Significance.

NC_000012.12:g.121641293C>T

Gene: ORAI1 (ORAI calcium release-activated calcium modulator 1; plus strand). Cytogenetic location: 12q24.31.
Variant type: single nucleotide variant.
Genome position: GRCh38 VCF-style: chr12-121641293-C-T. GRCh37 (hg19) VCF-style: chr12-122079199-C-T.
Other names: c.556C>T, p.Leu186Phe (NM_032790.4); short protein forms L186F.
Identifiers: ClinVar variation 1445165 (VCV001445165.6), dbSNP rs782383265, ClinGen allele CA6837515.